The following is an entry in ClinVar:

ClinVar aggregate classification (germline): Pathogenic (1 of 4 stars; one submission).

Conditions:
Immunodeficiency due to CD25 deficiency. Also called: IL2RA DEFICIENCY; CD25 DEFICIENCY; IMMUNODEFICIENCY 41 WITH LYMPHOPROLIFERATION AND AUTOIMMUNITY. Identifiers: Orphanet 169100, MedGen C1853392, MONDO:0011664, OMIM 606367.

Submission:

Labcorp Genetics (formerly Invitae), Labcorp
Classification: Pathogenic for Immunodeficiency due to CD25 deficiency. Last evaluated: 2018-12-04. Review status: criteria provided, single submitter. Criteria: Invitae Variant Classification Sherloc (09022015). Collection method: clinical testing. Allele origin: germline.
Comment: This sequence change creates a premature translational stop signal (p.Cys82*) in the IL2RA gene. It is expected to result in an absent or disrupted protein product. This variant is not present in population databases (ExAC no frequency). This variant has not been reported in the literature in individuals with IL2RA-related conditions. Loss-of-function variants in IL2RA are known to be pathogenic (PMID: 9096364, 17196245). For these reasons, this variant has been classified as Pathogenic.

Literature cited by the submitters: PubMed 9096364; PubMed 17196245.

NM_000417.3(IL2RA):c.246C>A (p.Cys82Ter)

Gene: IL2RA (interleukin 2 receptor subunit alpha; minus strand). Cytogenetic location: 10p15.1.
Variant type: single nucleotide variant.
Coding change: c.246C>A on transcript NM_000417.3 (MANE Select); coding-DNA position 246, C replaced by A.
Protein change: p.Cys82Ter; replaces cysteine 82 with a stop codon.
Molecular consequence: nonsense.
Genome position (GRCh38, 1-based): chr10:6,025,844, G>T on the plus strand (C>A on the coding strand, the complement: IL2RA is on the minus strand). VCF-style: chr10-6025844-G-T. GRCh37 (hg19) VCF-style: chr10-6067807-G-T.
Other names: c.246C>A, p.Cys82Ter (NM_001308242.2, NM_001308243.2); short protein forms C82*.
Identifiers: ClinVar variation 657558 (VCV000657558.6), dbSNP rs774803573, ClinGen allele CA375929659.
Genomic context (GRCh38, chr10:6,025,844, plus strand): 5'-CTCTTTGCTGCAGTTCTTTTGTTCTTGGTAGTCACAGAAGGGACACTTACCAGAGCTTGT[G>T]CATTGACATTGGTTGTCCCAGGACGAGTGGCTAGAGTTTCCTGTACAGAGCATATAGAGT-3'